The following is an entry in ClinVar:

ClinVar aggregate classification (germline): Likely benign. Review status: criteria provided, multiple submitters, no conflicts (2 of 4 stars). 3 submissions from 3 submitters: Likely benign (3). Last evaluated 2026-01-11.

Conditions:
Ehlers-Danlos syndrome, classic type, 1 (EDSCL1). Also called: EDS I; EHLERS-DANLOS SYNDROME, GRAVIS TYPE; EHLERS-DANLOS SYNDROME, SEVERE CLASSIC TYPE; Ehlers-Danlos Syndrome, Classic Type, COL5A1-Related; Ehlers-Danlos syndrome, type 1. Identifiers: MedGen C0268335, MONDO:0019567, OMIM 130000.
Familial thoracic aortic aneurysm and aortic dissection (TAAD). Also called: Thoracic aortic aneurysms and dissections. Identifiers: Orphanet 91387, MedGen C4707243, MONDO:0019625.

Allele frequency attached by ClinVar (database versions not stated): ExAC 0.00001; 1000 Genomes Project 30x 0.00016; TOPMed 0.00005; 1000 Genomes Project 0.00020; gnomAD 0.00001.
gnomAD v4.1: 24 of 1,613,466 alleles (0.0015%); highest among the groups gnomAD compares: African/African-American, 0.0093%; no homozygotes.

Submissions (3):

Labcorp Genetics (formerly Invitae), Labcorp
Classification: Likely benign for Ehlers-Danlos syndrome, classic type, 1. Last evaluated: 2026-01-11. Review status: criteria provided, single submitter. Criteria: Invitae Variant Classification Sherloc (09022015). Collection method: clinical testing. Allele origin: germline.

Ambry Genetics
Classification: Likely benign for Familial thoracic aortic aneurysm and aortic dissection. Last evaluated: 2018-10-29. Review status: criteria provided, single submitter. Criteria: Ambry Variant Classification Scheme 2023. Collection method: clinical testing. Allele origin: germline.

GeneDx
Classification: Likely benign. Last evaluated: 2018-05-30. Review status: criteria provided, single submitter. Criteria: GeneDx Variant Classification (06012015). Collection method: clinical testing. Allele origin: germline. Affected: yes.
Comment: This variant is considered likely benign or benign based on one or more of the following criteria: it is a conservative change, it occurs at a poorly conserved position in the protein, it is predicted to be benign by multiple in silico algorithms, and/or has population frequency not consistent with disease.

NM_000093.5(COL5A1):c.2181C>T (p.Gly727=)

Gene: COL5A1 (collagen type V alpha 1 chain; plus strand). Cytogenetic location: 9q34.3.
Variant type: single nucleotide variant.
Coding change: c.2181C>T on transcript NM_000093.5 (MANE Select); coding-DNA position 2181, C replaced by T.
Protein change: p.Gly727=; no amino-acid change (glycine 727 retained).
Molecular consequence: synonymous variant.
Genome position (GRCh38, 1-based): chr9:134,767,047, C>T. VCF-style: chr9-134767047-C-T. GRCh37 (hg19) VCF-style: chr9-137658893-C-T.
Other names: c.2181C>T, p.Gly727= (NM_001278074.1).
Identifiers: ClinVar variation 647729 (VCV000647729.13), dbSNP rs201298716, ClinGen allele CA5319187.
Genomic context (GRCh38, chr9:134,767,047, plus strand): 5'-TTGTCTCCTGTAGGGTCCCCAGGGAGAGCCTGGCCCCCCAGGACAGCAGGGTAATCCAGG[C>T]GCCCAGGTAAGTGAGCCTGAGAGAGGCAGCTCGCAGGGATCCGGCCGTGGGAGGCACACG-3'
Protein context (NP_000084.3, residues 717-737): PGPPGQQGNP[Gly727=]AQGLPGPQGA